The following is an entry in ClinVar:

ClinVar aggregate classification (germline): Benign/Likely benign. Review status: criteria provided, multiple submitters, no conflicts (2 of 4 stars). 2 submissions from 2 submitters: Benign (1); Likely benign (1). Last evaluated 2025-02-11.

Conditions:
Colorectal cancer, susceptibility to, 12 (CRCS12). Also called: COLORECTAL CANCER, SUSCEPTIBILITY TO, ON CHROMOSOME 12q24. Identifiers: Orphanet 220460, MedGen C3554460, MONDO:0014038, OMIM 615083.

Submissions (2):

Myriad Genetics, Inc.
Classification: Benign for Colorectal cancer, susceptibility to, 12. Last evaluated: 2025-02-11. Review status: criteria provided, single submitter. Criteria: Myriad Autosomal Dominant, Autosomal Recessive and X-Linked Classification Criteria (2023). Collection method: clinical testing. Allele origin: unknown.
Comment: This variant is considered benign. This variant is a silent/synonymous amino acid change and it is not expected to impact splicing.

Labcorp Genetics (formerly Invitae), Labcorp
Classification: Likely benign. Last evaluated: 2024-04-08. Review status: criteria provided, single submitter. Criteria: Invitae Variant Classification Sherloc (09022015). Collection method: clinical testing. Allele origin: germline.

NM_006231.4(POLE):c.1458C>G (p.Pro486=)

Gene: POLE (DNA polymerase epsilon, catalytic subunit; minus strand). Cytogenetic location: 12q24.33.
Variant type: single nucleotide variant.
Coding change: c.1458C>G on transcript NM_006231.4 (MANE Select); coding-DNA position 1458, C replaced by G.
Protein change: p.Pro486=; no amino-acid change (proline 486 retained).
Molecular consequence: synonymous variant.
Genome position (GRCh38, 1-based): chr12:132,673,179, G>C on the plus strand (C>G on the coding strand, the complement: POLE is on the minus strand). VCF-style: chr12-132673179-G-C. GRCh37 (hg19) VCF-style: chr12-133249765-G-C.
Identifiers: ClinVar variation 2764819 (VCV002764819.4), dbSNP rs2042969575, ClinGen allele CA482722656.